The following is an entry in ClinVar:

NM_005120.3(MED12):c.5400+2T>C

Gene: MED12 (mediator complex subunit 12; plus strand). Cytogenetic location: Xq13.1.
Variant type: single nucleotide variant.
Coding change: c.5400+2T>C on transcript NM_005120.3 (MANE Select); the canonical splice donor site of the intron after coding-DNA position 5400, T replaced by C.
Molecular consequence: splice donor variant.
Genome position (GRCh38, 1-based): chrX:71,136,657, T>C. VCF-style: chrX-71136657-T-C. GRCh37 (hg19) VCF-style: chrX-70356507-T-C.
Identifiers: ClinVar variation 1346046 (VCV001346046.8), dbSNP rs2147827179, ClinGen allele CA413535299.
Genomic context (GRCh38, chrX:71,136,657, plus strand): 5'-AACGCAAGAAGAAGTCCACCAAGGGCAAGAAACGCAGCCAGCCAGCTACCAAGACAGAGG[T>C]GAGCGCCTCCCCCGTGACAGTTCTCCCACAGCCTCTCACTTCATGACGCTCCGGTTTCTG-3'

ClinVar aggregate classification (germline): Likely pathogenic (1 of 4 stars; one submission).

Conditions:
FG syndrome (FGS). Identifiers: MedGen C0220769, MONDO:0002010.

Submission:

Labcorp Genetics (formerly Invitae), Labcorp
Classification: Likely pathogenic for FG syndrome. Last evaluated: 2021-05-31. Review status: criteria provided, single submitter. Criteria: Invitae Variant Classification Sherloc (09022015). Collection method: clinical testing. Allele origin: germline.
Comment: In summary, the currently available evidence indicates that the variant is pathogenic, but additional data are needed to prove that conclusively. Therefore, this variant has been classified as Likely Pathogenic. Algorithms developed to predict the effect of sequence changes on RNA splicing suggest that this variant may disrupt the consensus splice site, but this prediction has not been confirmed by published transcriptional studies. This variant has not been reported in the literature in individuals with MED12-related conditions. This variant is not present in population databases (ExAC no frequency). This sequence change affects a donor splice site in intron 37 of the MED12 gene. It is expected to disrupt RNA splicing. Variants that disrupt the donor or acceptor splice site typically lead to a loss of protein function (PMID: 16199547), and loss-of-function variants in MED12 are known to be pathogenic (PMID: 33244166).

Literature cited by the submitters: PubMed 16199547; PubMed 33244166.